The following is an entry in ClinVar:

ClinVar aggregate classification (germline): Benign. Review status: criteria provided, multiple submitters, no conflicts (2 of 4 stars). 10 submissions from 10 submitters: Benign (8). 2 of the submissions do not count toward it. Last evaluated 2026-02-04.

Conditions:
Autosomal recessive distal renal tubular acidosis. Identifiers: Orphanet 402041, MedGen C1864498, MONDO:0018440.

Allele frequency attached by ClinVar (database versions not stated): gnomAD 0.70010 and 0.69705; 1000 Genomes Project 30x 0.71502; 1000 Genomes Project 0.71665; ExAC 0.72671; gnomAD exomes 0.73419; ESP Exome Variant Server 0.68322; TOPMed 0.69714.
gnomAD v4.1: 1,154,589 of 1,612,318 alleles (72%); highest among the groups gnomAD compares: Admixed American, 80%; 414,815 homozygotes.

Submissions (10):

Labcorp Genetics (formerly Invitae), Labcorp
Classification: Benign. Last evaluated: 2026-02-04. Review status: criteria provided, single submitter. Criteria: Invitae Variant Classification Sherloc (09022015). Collection method: clinical testing. Allele origin: germline.

Blueprint Genetics
Classification: Benign. Last evaluated: 2024-11-27. Review status: criteria provided, single submitter. Criteria: ACMG Guidelines, 2015. Collection method: clinical testing. Allele origin: germline.

Mayo Clinic Laboratories, Mayo Clinic
Classification: Benign. Last evaluated: 2022-03-09. Review status: criteria provided, single submitter. Criteria: ACMG Guidelines, 2015. Collection method: clinical testing. Allele origin: germline. Observed: 165 variant alleles.

Genome-Nilou Lab
Classification: Benign for Renal tubular acidosis, distal, 3, with or without sensorineural hearing loss. Last evaluated: 2021-07-14. Review status: criteria provided, single submitter. Criteria: ACMG Guidelines, 2015. Collection method: clinical testing. Allele origin: germline. Affected: no.

GeneDx
Classification: Benign. Last evaluated: 2019-08-02. Review status: criteria provided, single submitter. Criteria: GeneDx Variant Classification Process June 2021. Collection method: clinical testing. Allele origin: germline. Affected: yes.

Illumina Laboratory Services, Illumina
Classification: Benign for Renal tubular acidosis, distal, 3, with or without sensorineural hearing loss. Last evaluated: 2018-01-12. Review status: criteria provided, single submitter. Criteria: ICSL Variant Classification Criteria 13 December 2019. Collection method: clinical testing. Allele origin: germline.
Comment: This variant was observed in the ICSL laboratory as part of a predisposition screen in an ostensibly healthy population. It had not been previously curated by ICSL or reported in the Human Gene Mutation Database (HGMD: prior to June 1st, 2018), and was therefore a candidate for classification through an automated scoring system. Utilizing variant allele frequency, disease prevalence and penetrance estimates, and inheritance mode, an automated score was calculated to assess if this variant is too frequent to cause the disease. Based on the score and internal cut-off values, a variant classified as benign is not then subjected to further curation. The score for this variant resulted in a classification of benign for this disease.

Breakthrough Genomics
Classification: Benign. Review status: criteria provided, single submitter. Criteria: ACMG Guidelines, 2015. Collection method: not provided. Allele origin: germline. Inheritance: Autosomal recessive inheritance. Affected: yes.

PreventionGenetics, part of Exact Sciences
Classification: Benign. Review status: criteria provided, single submitter. Criteria: ACMG Guidelines, 2015. Collection method: clinical testing. Allele origin: germline.

Diagnostic Laboratory, Department of Genetics, University Medical Center Groningen
Classification: Benign. Review status: no assertion criteria provided. Collection method: clinical testing. Allele origin: germline. Affected: yes. Study: VKGL Data-share Consensus. Not counted in ClinVar's aggregate classification.

Joint Genome Diagnostic Labs from Nijmegen and Maastricht, Radboudumc and MUMC+
Classification: Benign. Review status: no assertion criteria provided. Collection method: clinical testing. Allele origin: germline. Affected: yes. Study: VKGL Data-share Consensus. Not counted in ClinVar's aggregate classification.

NM_020632.3(ATP6V0A4):c.1662C>T (p.Phe554=)

Gene: ATP6V0A4 (ATPase H+ transporting V0 subunit a4; minus strand). Cytogenetic location: 7q34.
Variant type: single nucleotide variant.
Coding change: c.1662C>T on transcript NM_020632.3 (MANE Select); coding-DNA position 1662, C replaced by T.
Protein change: p.Phe554=; no amino-acid change (phenylalanine 554 retained).
Molecular consequence: synonymous variant.
Genome position (GRCh38, 1-based): chr7:138,734,165, G>A on the plus strand (C>T on the coding strand, the complement: ATP6V0A4 is on the minus strand). VCF-style: chr7-138734165-G-A. GRCh37 (hg19) VCF-style: chr7-138418910-G-A.
Other names: p.Phe554=; c.1662C>T, p.Phe554= (NM_130840.3, NM_130841.3).
Identifiers: ClinVar variation 261342 (VCV000261342.26), dbSNP rs1026435, ClinGen allele CA4504693.